The following is an entry in ClinVar:

NM_000540.3(RYR1):c.2622G>A (p.Ala874=)

Gene: RYR1 (ryanodine receptor 1; plus strand). Cytogenetic location: 19q13.2.
Variant type: single nucleotide variant.
Coding change: c.2622G>A on transcript NM_000540.3 (MANE Select); coding-DNA position 2622, G replaced by A.
Protein change: p.Ala874=; no amino-acid change (alanine 874 retained).
Molecular consequence: synonymous variant.
Genome position (GRCh38, 1-based): chr19:38,463,467, G>A. VCF-style: chr19-38463467-G-A. GRCh37 (hg19) VCF-style: chr19-38954107-G-A.
Other names: c.2622G>A, p.Ala874= (NM_001042723.2).
Identifiers: ClinVar variation 256479 (VCV000256479.33), dbSNP rs149381996, ClinGen allele CA063615.

ClinVar aggregate classification (germline): Benign/Likely benign. Review status: criteria provided, multiple submitters, no conflicts (2 of 4 stars). 9 submissions from 9 submitters: Benign (3); Likely benign (6). Last evaluated 2026-01-31.

Conditions:
Malignant hyperthermia, susceptibility to, 1 (MHS1). Also called: Anesthesia related hyperthermia; Malignant hyperpyrexia; Fulminating hyperpyrexia; Pharmacogenic myopathy; RYR1-Related Malignant Hyperthermia Susceptibility; Malignant hyperthermia suceptibility 1. Identifiers: Orphanet 423, MedGen C2930980, MONDO:0007783, OMIM 145600.
RYR1-related disorder. Also called: RYR1-related disorders; RYR1-related condition. Identifiers: MedGen CN239331.

Allele frequency attached by ClinVar (database versions not stated): gnomAD exomes 0.00015 and 0.00036; ExAC 0.00051; ESP Exome Variant Server 0.00115; gnomAD 0.00144 and 0.00155; TOPMed 0.00149; 1000 Genomes Project 30x 0.00219; 1000 Genomes Project 0.00220.
gnomAD v4.1: 445 of 1,613,854 alleles (0.028%); highest among the groups gnomAD compares: African/African-American, 0.52%; no homozygotes.

Submissions (9):

Labcorp Genetics (formerly Invitae), Labcorp
Classification: Benign for RYR1-related disorder. Last evaluated: 2026-01-31. Review status: criteria provided, single submitter. Criteria: Invitae Variant Classification Sherloc (09022015). Collection method: clinical testing. Allele origin: germline.

CeGaT Center for Human Genetics Tuebingen
Classification: Likely benign. Last evaluated: 2025-07-01. Review status: criteria provided, single submitter. Criteria: CeGaT Center For Human Genetics Tuebingen Variant Classification Criteria Version 2. Collection method: clinical testing. Allele origin: germline. Affected: yes. Observed: 1 variant allele.
Comment: RYR1: BP4, BP7

Blueprint Genetics
Classification: Likely benign. Last evaluated: 2024-03-09. Review status: criteria provided, single submitter. Criteria: ACMG Guidelines, 2015. Collection method: clinical testing. Allele origin: germline.

ARUP Laboratories, Molecular Genetics and Genomics, ARUP Laboratories
Classification: Benign. Last evaluated: 2023-09-22. Review status: criteria provided, single submitter. Criteria: ARUP Molecular Germline Variant Investigation Process 2024. Collection method: clinical testing. Allele origin: germline.

Color Diagnostics, LLC DBA Color Health
Classification: Likely benign for Malignant hyperthermia, susceptibility to, 1. Last evaluated: 2022-11-06. Review status: criteria provided, single submitter. Criteria: ACMG Guidelines, 2015. Collection method: clinical testing. Allele origin: germline.

GeneDx
Classification: Likely benign. Last evaluated: 2020-10-17. Review status: criteria provided, single submitter. Criteria: GeneDx Variant Classification Process June 2021. Collection method: clinical testing. Allele origin: germline. Affected: yes.

PreventionGenetics, part of Exact Sciences
Classification: Benign. Last evaluated: 2018-03-23. Review status: criteria provided, single submitter. Criteria: ACMG Guidelines, 2015. Collection method: clinical testing. Allele origin: germline.

Eurofins Ntd Llc (ga)
Classification: Likely benign. Last evaluated: 2017-01-25. Review status: criteria provided, single submitter. Criteria: EGL Classification Definitions 2015. Collection method: clinical testing. Allele origin: germline. Observed: 1 variant allele, 1 heterozygote.

Genetic Services Laboratory, University of Chicago
Classification: Likely benign. Last evaluated: 2016-06-08. Review status: criteria provided, single submitter. Criteria: ACMG Guidelines, 2015. Collection method: clinical testing. Allele origin: germline. Affected: no.